The following is an entry in ClinVar:

ClinVar aggregate classification (germline): Benign/Likely benign. Review status: criteria provided, multiple submitters, no conflicts (2 of 4 stars). 6 submissions from 6 submitters: Benign (1); Likely benign (4). 1 of the submissions does not count toward it. Last evaluated 2026-05-06.

Conditions:
Colorectal cancer, hereditary nonpolyposis, type 7. Identifiers: Orphanet 144, MedGen C1858380, MONDO:0013725, OMIM 614385.
Endometrial carcinoma. Also called: Endometrial carcinoma, somatic. Identifiers: MedGen C0476089, MONDO:0002447, OMIM 608089, HP:0012114.
MLH3-related disorder. Also called: MLH3-related condition.

Allele frequency attached by ClinVar (database versions not stated): gnomAD exomes 0.00004 and 0.00005; TOPMed 0.00006; ExAC 0.00007; ESP Exome Variant Server 0.00008; gnomAD 0.00001 and 0.00003.
gnomAD v4.1: 62 of 1,614,128 alleles (0.0038%); highest among the groups gnomAD compares: Middle Eastern, 0.016%; no homozygotes.

Submissions (6):

Myriad Genetics, Inc.
Classification: Benign for Colorectal cancer, hereditary nonpolyposis, type 7. Last evaluated: 2026-05-06. Review status: criteria provided, single submitter. Criteria: Myriad Autosomal Dominant, Autosomal Recessive and X-Linked Classification Criteria (2023). Collection method: clinical testing. Allele origin: unknown.
Comment: This variant is considered benign. This variant is a silent/synonymous amino acid change and it is not expected to impact splicing.

Labcorp Genetics (formerly Invitae), Labcorp
Classification: Likely benign for Colorectal cancer, hereditary nonpolyposis, type 7. Last evaluated: 2025-10-10. Review status: criteria provided, single submitter. Criteria: Invitae Variant Classification Sherloc (09022015). Collection method: clinical testing. Allele origin: germline.

Blueprint Genetics
Classification: Likely benign. Last evaluated: 2024-09-11. Review status: criteria provided, single submitter. Criteria: ACMG Guidelines, 2015. Collection method: clinical testing. Allele origin: germline.

Department of Pathology and Laboratory Medicine, Sinai Health System
Classification: Likely benign for Endometrial carcinoma. Last evaluated: 2024-01-26. Review status: criteria provided, single submitter. Criteria: ACMG Guidelines, 2015. Collection method: clinical testing. Allele origin: germline. Affected: yes.

Ambry Genetics
Classification: Likely benign. Last evaluated: 2020-08-13. Review status: criteria provided, single submitter. Criteria: Ambry Variant Classification Scheme 2023. Collection method: clinical testing. Allele origin: germline.

PreventionGenetics, part of Exact Sciences
Classification: Likely benign for MLH3-related condition. Last evaluated: 2021-11-10. Review status: no assertion criteria provided. Collection method: clinical testing. Allele origin: germline. Not counted in ClinVar's aggregate classification.
Comment: This variant is classified as likely benign based on ACMG/AMP sequence variant interpretation guidelines (Richards et al. 2015 PMID: 25741868, with internal and published modifications).

NM_001040108.2(MLH3):c.4185C>T (p.His1395=)

Gene: MLH3 (mutL homolog 3; minus strand). Cytogenetic location: 14q24.3.
Variant type: single nucleotide variant.
Coding change: c.4185C>T on transcript NM_001040108.2 (MANE Select); coding-DNA position 4185, C replaced by T.
Protein change: p.His1395=; no amino-acid change (histidine 1395 retained).
Molecular consequence: synonymous variant.
Genome position (GRCh38, 1-based): chr14:75,018,886, G>A on the plus strand (C>T on the coding strand, the complement: MLH3 is on the minus strand). VCF-style: chr14-75018886-G-A. GRCh37 (hg19) VCF-style: chr14-75485589-G-A.
Other names: c.4113C>T, p.His1371= (NM_014381.3).
Identifiers: ClinVar variation 416449 (VCV000416449.19), dbSNP rs145575075, ClinGen allele CA7275205.
Genomic context (GRCh38, chr14:75,018,886, plus strand): 5'-TACCTGTTTTTCCTGTTCCAAGTGGTCTATGTCAGCTAACGGCAGCATAGAAGGTCTCCC[G>A]TGAGCACACTGGAATGGCAGCTGGCATGAGGACAGAGCTTCAATAAGGCGGCAACTTTCC-3'
Protein context (NP_001035197.1, residues 1385-1405): SSCQLPFQCA[His1395=]GRPSMLPLAD